The following is an entry in ClinVar:

ClinVar aggregate classification (germline): Uncertain significance (1 of 4 stars; one submission).

Conditions:
Myofibrillar myopathy 6. Identifiers: Orphanet 199340, MedGen C2751831, MONDO:0013061, OMIM 612954.
Dilated cardiomyopathy 1HH (CMD1HH). Identifiers: Orphanet 154, MedGen C3151293, MONDO:0013479, OMIM 613881.

Submission:

Labcorp Genetics (formerly Invitae), Labcorp
Classification: Uncertain significance for Dilated cardiomyopathy 1HH; Myofibrillar myopathy 6. Last evaluated: 2024-11-14. Review status: criteria provided, single submitter. Criteria: Invitae Variant Classification Sherloc (09022015). Collection method: clinical testing. Allele origin: germline.
Comment: This sequence change replaces proline, which is neutral and non-polar, with alanine, which is neutral and non-polar, at codon 290 of the BAG3 protein (p.Pro290Ala). This variant is not present in population databases (gnomAD no frequency). This variant has not been reported in the literature in individuals affected with BAG3-related conditions. ClinVar contains an entry for this variant (Variation ID: 2934778). Invitae Evidence Modeling of protein sequence and biophysical properties (such as structural, functional, and spatial information, amino acid conservation, physicochemical variation, residue mobility, and thermodynamic stability) indicates that this missense variant is not expected to disrupt BAG3 protein function with a negative predictive value of 80%. In summary, the available evidence is currently insufficient to determine the role of this variant in disease. Therefore, it has been classified as a Variant of Uncertain Significance.

NM_004281.4(BAG3):c.868C>G (p.Pro290Ala)

Gene: BAG3 (BAG cochaperone 3; plus strand). Cytogenetic location: 10q26.11.
Variant type: single nucleotide variant.
Coding change: c.868C>G on transcript NM_004281.4 (MANE Select); coding-DNA position 868, C replaced by G.
Protein change: p.Pro290Ala; replaces proline 290 with alanine.
Molecular consequence: missense variant.
Genome position (GRCh38, 1-based): chr10:119,672,615, C>G. VCF-style: chr10-119672615-C-G. GRCh37 (hg19) VCF-style: chr10-121432127-C-G.
Other names: short protein forms P290A.
Identifiers: ClinVar variation 2934778 (VCV002934778.3), dbSNP rs1457834767, ClinGen allele CA378296008.
Genomic context (GRCh38, chr10:119,672,615, plus strand): 5'-GTCCAGGGTGCATCGAGCCGGGAGGGCTCACCAGCCAGGAGCAGCACGCCACTCCACTCC[C>G]CCTCGCCCATCCGTGTGCACACCGTGGTCGACAGGCCTCAGGTACGGGAAGTTAGTCGTC-3'
Protein context (NP_004272.2, residues 280-300): PARSSTPLHS[Pro290Ala]SPIRVHTVVD